The following is an entry in ClinVar:

ClinVar aggregate classification (germline): Uncertain significance. Review status: criteria provided, multiple submitters, no conflicts (2 of 4 stars). 2 submissions from 2 submitters: Uncertain significance (2). Last evaluated 2024-12-09.

Conditions:
Hereditary cancer-predisposing syndrome. Also called: Hereditary neoplastic syndrome; Tumor predisposition; Hereditary Cancer Syndrome; Neoplastic Syndromes, Hereditary. Identifiers: Orphanet 140162, MedGen C0027672, MeSH D009386, MONDO:0015356.
Oligodontia-cancer predisposition syndrome. Also called: TOOTH AGENESIS-COLORECTAL CANCER SYNDROME. Identifiers: Orphanet 300576, MedGen C1837750, MONDO:0012075, OMIM 608615. Disease mechanism: loss of function.

Submissions (2):

Labcorp Genetics (formerly Invitae), Labcorp
Classification: Uncertain significance for Oligodontia-cancer predisposition syndrome. Last evaluated: 2024-12-09. Review status: criteria provided, single submitter. Criteria: Invitae Variant Classification Sherloc (09022015). Collection method: clinical testing. Allele origin: germline.
Comment: This sequence change replaces glutamic acid, which is acidic and polar, with glycine, which is neutral and non-polar, at codon 793 of the AXIN2 protein (p.Glu793Gly). This variant is not present in population databases (gnomAD no frequency). This variant has not been reported in the literature in individuals affected with AXIN2-related conditions. ClinVar contains an entry for this variant (Variation ID: 2586369). Invitae Evidence Modeling of protein sequence and biophysical properties (such as structural, functional, and spatial information, amino acid conservation, physicochemical variation, residue mobility, and thermodynamic stability) indicates that this missense variant is expected to disrupt AXIN2 protein function with a positive predictive value of 80%. In summary, the available evidence is currently insufficient to determine the role of this variant in disease. Therefore, it has been classified as a Variant of Uncertain Significance.

Ambry Genetics
Classification: Uncertain significance for Hereditary cancer-predisposing syndrome. Last evaluated: 2023-08-29. Review status: criteria provided, single submitter. Criteria: Ambry Variant Classification Scheme 2023. Collection method: clinical testing. Allele origin: germline.
Comment: The p.E793G variant (also known as c.2378A>G), located in coding exon 9 of the AXIN2 gene, results from an A to G substitution at nucleotide position 2378. The glutamic acid at codon 793 is replaced by glycine, an amino acid with similar properties. This amino acid position is conserved. In addition, the in silico prediction for this alteration is inconclusive. Since supporting evidence is limited at this time, the clinical significance of this alteration remains unclear.

NM_004655.4(AXIN2):c.2378A>G (p.Glu793Gly)

Gene: AXIN2 (axin 2; minus strand). Cytogenetic location: 17q24.1.
Variant type: single nucleotide variant.
Coding change: c.2378A>G on transcript NM_004655.4 (MANE Select); coding-DNA position 2378, A replaced by G.
Protein change: p.Glu793Gly; replaces glutamic acid 793 with glycine.
Molecular consequence: missense variant.
Genome position (GRCh38, 1-based): chr17:65,533,939, T>C on the plus strand (A>G on the coding strand, the complement: AXIN2 is on the minus strand). VCF-style: chr17-65533939-T-C. GRCh37 (hg19) VCF-style: chr17-63530057-T-C.
Other names: c.2183A>G, p.Glu728Gly (NM_001363813.1); short protein forms E728G, E793G.
Identifiers: ClinVar variation 2586369 (VCV002586369.4), dbSNP rs2509388615, ClinGen allele CA400675377.
Genomic context (GRCh38, chr17:65,533,939, plus strand): 5'-ACTGAGAGCAGAAAAAAGCCACAGGACTCTTACCTATAATTTCCCTTTTTGCTGAGCTGC[T>C]CTTTAAAGTGGCCCAGGGTCAAGCTCTGAGCCTTCAGCATCCTCCGGTATGGAATTTCTT-3'
Protein context (NP_004646.3, residues 783-803): AQSLTLGHFK[Glu793Gly]QLSKKGNYRY